The following is an entry in ClinVar:

ClinVar aggregate classification (germline): Uncertain significance (1 of 4 stars; one submission).

Conditions:
Congenital disorder of glycosylation type 1E (CDG1E). Also called: CONGENITAL DISORDER OF GLYCOSYLATION, TYPE Ie; CDG Ie. Identifiers: Orphanet 79322, MedGen C1837396, MONDO:0012123, OMIM 608799.

Allele frequency attached by ClinVar (database versions not stated): gnomAD exomes 0.00001; TOPMed 0.00001.
gnomAD v4.1: 12 of 1,613,768 alleles (0.00074%); highest among the groups gnomAD compares: Non-Finnish European, 0.001%; no homozygotes.

Submission:

Labcorp Genetics (formerly Invitae), Labcorp
Classification: Uncertain significance for Congenital disorder of glycosylation type 1E. Last evaluated: 2019-05-30. Review status: criteria provided, single submitter. Criteria: Invitae Variant Classification Sherloc (09022015). Collection method: clinical testing. Allele origin: germline.
Comment: In summary, the available evidence is currently insufficient to determine the role of this variant in disease. Therefore, it has been classified as a Variant of Uncertain Significance. Algorithms developed to predict the effect of missense changes on protein structure and function are either unavailable or do not agree on the potential impact of this missense change (SIFT: "Deleterious"; PolyPhen-2: "Benign"; Align-GVGD: "Class C45"). This variant has not been reported in the literature in individuals with DPM1-related conditions. This variant is not present in population databases (ExAC no frequency). This sequence change replaces isoleucine with threonine at codon 214 of the DPM1 protein (p.Ile214Thr). The isoleucine residue is moderately conserved and there is a moderate physicochemical difference between isoleucine and threonine.

NM_003859.3(DPM1):c.641T>C (p.Ile214Thr)

Genes: ADNP-AS1 (ADNP antisense RNA 1; plus strand), DPM1 (dolichyl-phosphate mannosyltransferase subunit 1, catalytic; minus strand). Cytogenetic location: 20q13.13.
Variant type: single nucleotide variant.
Coding change: c.641T>C on transcript NM_003859.3 (MANE Select); coding-DNA position 641, T replaced by C.
Protein change: p.Ile214Thr; replaces isoleucine 214 with threonine.
Molecular consequence: missense variant. On other transcripts: non-coding transcript variant (1).
Genome position (GRCh38, 1-based): chr20:50,936,185, A>G on the plus strand (T>C on the coding strand, the complement: DPM1 is on the minus strand). VCF-style: chr20-50936185-A-G. GRCh37 (hg19) VCF-style: chr20-49552722-A-G.
Other names: c.746T>C, p.Ile249Thr (NM_001317034.1); c.722T>C, p.Ile241Thr (NM_001317035.1); c.572T>C, p.Ile191Thr (NM_001317036.1); short protein forms I214T, I249T, I191T, I241T.
Identifiers: ClinVar variation 937440 (VCV000937440.9), dbSNP rs1439856985, ClinGen allele CA408987327.